The following is an entry in ClinVar:

ClinVar aggregate classification (germline): Uncertain significance (0 of 4 stars; one submission).

Conditions:
JAK2-related disorder. Also called: JAK2-related condition.

Allele frequency attached by ClinVar (database versions not stated): gnomAD exomes below 0.00001; ExAC 0.00001; TOPMed 0.00002.
gnomAD v4.1: 2 of 1,585,754 alleles (0.00013%); highest among the groups gnomAD compares: Non-Finnish European, 0.00017%; no homozygotes.

Submission:

PreventionGenetics, part of Exact Sciences
Classification: Uncertain significance for JAK2-related condition. Last evaluated: 2024-02-01. Review status: no assertion criteria provided. Collection method: clinical testing. Allele origin: germline.
Comment: The JAK2 c.2803G>A variant is predicted to result in the amino acid substitution p.Gly935Arg. To our knowledge, this variant has not been reported in the literature. This variant is reported in 0.00091% of alleles in individuals of European (Non-Finnish) descent in gnomAD. At this time, the clinical significance of this variant is uncertain due to the absence of conclusive functional and genetic evidence.

NM_004972.4(JAK2):c.2803G>A (p.Gly935Arg)

Genes: INSL6 (insulin like 6; minus strand), JAK2 (Janus kinase 2; plus strand). Cytogenetic location: 9p24.1.
Variant type: single nucleotide variant.
Coding change: c.2803G>A on transcript NM_004972.4 (MANE Select); coding-DNA position 2803, G replaced by A.
Protein change: p.Gly935Arg; replaces glycine 935 with arginine.
Molecular consequence: missense variant. On other transcripts: non-coding transcript variant (2).
Genome position (GRCh38, 1-based): chr9:5,090,487, G>A. VCF-style: chr9-5090487-G-A. GRCh37 (hg19) VCF-style: chr9-5090487-G-A.
Other names: c.2803G>A, p.Gly935Arg (NM_001322194.2, NM_001322195.2, NM_001322196.2); c.1588G>A, p.Gly530Arg (NM_001322198.2, NM_001322199.2); c.2356G>A, p.Gly786Arg (NM_001322204.2); short protein forms G530R, G786R, G935R.
Identifiers: ClinVar variation 3049436 (VCV003049436.2), dbSNP rs768007778, ClinGen allele CA4972261.